The following is an entry in ClinVar:

ClinVar aggregate classification (germline): Conflicting classifications of pathogenicity. Review status: criteria provided, conflicting classifications (1 of 4 stars). 6 submissions from 4 submitters: Likely pathogenic (1); Uncertain significance (5). Last evaluated 2026-02-02.

Conditions:
Charcot-Marie-Tooth disease, axonal, autosomal recessive, type 2a2b;. Also called: Charcot-Marie-Tooth disease, axonal, autosomal recessive, type 2A2B; Charcot-Marie-Tooth disease, axonal, type 2A2B. Identifiers: MedGen C4310725, MONDO:0014906, OMIM 617087.
Charcot-Marie-Tooth disease type 2A2. Also called: Charcot-Marie-Tooth Neuropathy Type 2A2; CHARCOT-MARIE-TOOTH DISEASE, AXONAL, TYPE 2A2; CHARCOT-MARIE-TOOTH DISEASE, NEURONAL, TYPE 2A2; HEREDITARY MOTOR AND SENSORY NEUROPATHY IIA2; HMSN IIA2; CHARCOT-MARIE-TOOTH DISEASE, AXONAL, AUTOSOMAL DOMINANT, TYPE 2A2A. Identifiers: Orphanet 99947, MedGen C4721887, MONDO:0012231, OMIM 609260.
Charcot-Marie-Tooth disease type 2. Also called: Charcot-Marie-Tooth type 2. Identifiers: Orphanet 64746, MedGen C0270914, MONDO:0018993.
Neuropathy, hereditary motor and sensory, type 6A (HMSN6A). Also called: NEUROPATHY, HEREDITARY MOTOR AND SENSORY, TYPE VIA; HMSN VIA; CHARCOT-MARIE-TOOTH DISEASE, TYPE 6A; NEUROPATHY, HEREDITARY MOTOR AND SENSORY, TYPE VIA, WITH OPTIC ATROPHY. Identifiers: MedGen CN305336, MONDO:0011002, OMIM 601152.

Allele frequency attached by ClinVar (database versions not stated): gnomAD exomes 0.00004; ESP Exome Variant Server 0.00008; gnomAD 0.00001; TOPMed 0.00002; ExAC 0.00003.
gnomAD v4.1: 56 of 1,614,100 alleles (0.0035%); highest among the groups gnomAD compares: South Asian, 0.0044%; no homozygotes.

Submissions (6):

Concord Molecular Medicine Laboratory, Concord Repatriation General Hospital
Classification: Likely pathogenic for Charcot-Marie-Tooth disease type 2A2; Charcot-Marie-Tooth disease, axonal, autosomal recessive, type 2a2b;. Last evaluated: 2026-02-02. Review status: criteria provided, single submitter. Criteria: ACMG Guidelines, 2015. Collection method: clinical testing. Allele origin: germline. Inheritance: Autosomal dominant inheritance. Affected: yes. Observed: 3 variant alleles, 3 heterozygotes.
Comment: The MFN2 c.2120G>A variant has been detected in heterozygous state in three affected family members in our laboratory with a clinical diagnosis of Charcot-Marie-Tooth disease type 2A, confirmed by nerve conduction studies showing axonal neuropathy. The c.2120G>A variant is a rare variant detected in control population database (VAF 0.003%, gnomAD v4.1.0). The variant is located within the Fzo/Mitofusin HR2 domain. Other missense variants affecting the same amino acid residue have been associated with Charcot-Marie-Tooth disease.

Labcorp Genetics (formerly Invitae), Labcorp
Classification: Uncertain significance for Charcot-Marie-Tooth disease type 2. Last evaluated: 2026-01-16. Review status: criteria provided, single submitter. Criteria: Invitae Variant Classification Sherloc (09022015). Collection method: clinical testing. Allele origin: germline.
Comment: This sequence change replaces arginine, which is basic and polar, with glutamine, which is neutral and polar, at codon 707 of the MFN2 protein (p.Arg707Gln). This variant is present in population databases (rs375937289, gnomAD 0.006%). This variant has not been reported in the literature in individuals affected with MFN2-related conditions. ClinVar contains an entry for this variant (Variation ID: 1806999). Invitae Evidence Modeling of protein sequence and biophysical properties (such as structural, functional, and spatial information, amino acid conservation, physicochemical variation, residue mobility, and thermodynamic stability) indicates that this missense variant is not expected to disrupt MFN2 protein function with a negative predictive value of 80%. This variant disrupts the p.Arg707 amino acid residue in MFN2. Other variant(s) that disrupt this residue have been determined to be pathogenic (PMID: 18458227, 20008656, 26114802). This suggests that this residue is clinically significant, and that variants that disrupt this residue are likely to be disease-causing. In summary, the available evidence is currently insufficient to determine the role of this variant in disease. Therefore, it has been classified as a Variant of Uncertain Significance.

Baylor Genetics
Classification: Uncertain significance for Neuropathy, hereditary motor and sensory, type 6A. Last evaluated: 2023-06-29. Review status: criteria provided, single submitter. Criteria: ACMG Guidelines, 2015. Collection method: clinical testing. Allele origin: unknown.

Baylor Genetics
Classification: Uncertain significance for Charcot-Marie-Tooth disease type 2A2. Last evaluated: 2023-06-29. Review status: criteria provided, single submitter. Criteria: ACMG Guidelines, 2015. Collection method: clinical testing. Allele origin: unknown.

Baylor Genetics
Classification: Uncertain significance for Charcot-Marie-Tooth disease, axonal, autosomal recessive, type 2a2b;. Last evaluated: 2023-06-29. Review status: criteria provided, single submitter. Criteria: ACMG Guidelines, 2015. Collection method: clinical testing. Allele origin: unknown.

Athena Diagnostics
Classification: Uncertain significance. Last evaluated: 2021-12-09. Review status: criteria provided, single submitter. Criteria: Athena Diagnostics Criteria. Collection method: clinical testing. Allele origin: unknown.

Literature cited by the submitters: PubMed 18458227 (cited by Concord Molecular Medicine Laboratory, Concord Repatriation General Hospital and Labcorp Genetics (formerly Invitae), Labcorp); PubMed 20008656 (cited by Concord Molecular Medicine Laboratory, Concord Repatriation General Hospital and Labcorp Genetics (formerly Invitae), Labcorp); PubMed 26085578 (cited by Concord Molecular Medicine Laboratory, Concord Repatriation General Hospital); PubMed 26114802 (cited by Concord Molecular Medicine Laboratory, Concord Repatriation General Hospital and Labcorp Genetics (formerly Invitae), Labcorp).

NM_014874.4(MFN2):c.2120G>A (p.Arg707Gln)

Gene: MFN2 (mitofusin 2; plus strand). Cytogenetic location: 1p36.22.
Variant type: single nucleotide variant.
Coding change: c.2120G>A on transcript NM_014874.4 (MANE Select); coding-DNA position 2120, G replaced by A.
Protein change: p.Arg707Gln; replaces arginine 707 with glutamine.
Molecular consequence: missense variant.
Genome position (GRCh38, 1-based): chr1:12,009,642, G>A. VCF-style: chr1-12009642-G-A. GRCh37 (hg19) VCF-style: chr1-12069699-G-A.
Other names: c.2120G>A, p.Arg707Gln (NM_001127660.2); short protein forms R707Q.
Identifiers: ClinVar variation 1806999 (VCV001806999.8), dbSNP rs375937289, ClinGen allele CA599338.